The following is an entry in ClinVar:

NM_020631.6(PLEKHG5):c.2162_2163insTGAGCAGGAGGAGGAAGAGGAGGAGGAGGAGGAG (p.Glu721fs)

Gene: PLEKHG5 (pleckstrin homology and RhoGEF domain containing G5; minus strand). Cytogenetic location: 1p36.31.
Variant type: Insertion.
Coding change: c.2162_2163insTGAGCAGGAGGAGGAAGAGGAGGAGGAGGAGGAG on transcript NM_020631.6 (MANE Select); coding-DNA positions 2162 to 2163, TGAGCAGGAGGAGGAAGAGGAGGAGGAGGAGGAG inserted.
Protein change: p.Glu721fs; shifts the reading frame from glutamic acid 721.
Molecular consequence: frameshift variant.
Genome position: GRCh38: chr1:6,469,128-6,469,129. GRCh37 (hg19): chr1:6,529,188-6,529,189.
Other names: c.2369_2370insTGAGCAGGAGGAGGAAGAGGAGGAGGAGGAGGAG, p.Glu790Aspfs (NM_001265593.2); c.2162_2163insTGAGCAGGAGGAGGAAGAGGAGGAGGAGGAGGAG, p.Glu721Aspfs (NM_001265594.3, NM_001042665.2, NM_001042664.2); c.2162_2163insTGAGCAGGAGGAGGAAGAGGAGGAGGAGGAGGAG, p.Glu721fs (NM_198681.4); c.2273_2274insTGAGCAGGAGGAGGAAGAGGAGGAGGAGGAGGAG, p.Glu758fs (NM_001265592.2, NM_001042663.3); short protein forms E721fs, E758fs, E790fs.
Identifiers: ClinVar variation 1146824 (VCV001146824.7), dbSNP rs1456598112, ClinGen allele CA561234.

ClinVar aggregate classification (germline): Pathogenic (1 of 4 stars; one submission).

Conditions:
Neuronopathy, distal hereditary motor, autosomal recessive 4. Also called: Autosomal recessive lower motor neuron disease with childhood onset; NEUROPATHY, DISTAL HEREDITARY MOTOR, AUTOSOMAL RECESSIVE 4. Identifiers: Orphanet 206580, MedGen C1970211, MONDO:0012608, OMIM 611067.
Charcot-Marie-Tooth disease recessive intermediate C. Also called: CHARCOT-MARIE-TOOTH NEUROPATHY, RECESSIVE INTERMEDIATE C. Identifiers: Orphanet 369867, MedGen C3809309, MONDO:0014154, OMIM 615376.

Allele frequency attached by ClinVar (database versions not stated): gnomAD exomes 0.00034; gnomAD 0.00152 and 0.00164.

Submission:

Labcorp Genetics (formerly Invitae), Labcorp
Classification: Pathogenic for Neuronopathy, distal hereditary motor, autosomal recessive 4; Charcot-Marie-Tooth disease recessive intermediate C. Last evaluated: 2017-09-11. Review status: criteria provided, single submitter. Criteria: Invitae Variant Classification Sherloc (09022015). Collection method: clinical testing. Allele origin: germline.
Comment: This sequence change creates a premature translational stop signal (p.Glu721Aspfs*76) in the PLEKHG5 gene. It is expected to result in an absent or disrupted protein product. This variant is present in population databases (rs386628081, ExAC 0.4%), and has an allele count higher than expected for a pathogenic variant (PMID: 28166811). This variant has not been reported in the literature in individuals with PLEKHG5-related disease. Loss-of-function variants in PLEKHG5 are known to be pathogenic (PMID: 17564964, 23777631). For these reasons, this variant has been classified as Pathogenic.

Literature cited by the submitters: PubMed 28166811; PubMed 17564964; PubMed 23777631.